The following is an entry in ClinVar:

NM_004304.5(ALK):c.1993A>C (p.Lys665Gln)

Gene: ALK (ALK receptor tyrosine kinase; minus strand). Cytogenetic location: 2p23.2.
Variant type: single nucleotide variant.
Coding change: c.1993A>C on transcript NM_004304.5 (MANE Select); coding-DNA position 1993, A replaced by C.
Protein change: p.Lys665Gln; replaces lysine 665 with glutamine.
Molecular consequence: missense variant.
Genome position (GRCh38, 1-based): chr2:29,275,147, T>G on the plus strand (A>C on the coding strand, the complement: ALK is on the minus strand). VCF-style: chr2-29275147-T-G. GRCh37 (hg19) VCF-style: chr2-29498013-T-G.
Other names: short protein forms K665Q.
Identifiers: ClinVar variation 1692775 (VCV001692775.1), dbSNP rs2148215042, ClinGen allele CA346479661.

ClinVar aggregate classification (germline): Uncertain significance (1 of 4 stars; one submission).

Conditions:
Hereditary cancer-predisposing syndrome. Also called: Hereditary neoplastic syndrome; Tumor predisposition; Neoplastic Syndromes, Hereditary; Hereditary Cancer Syndrome. Identifiers: Orphanet 140162, MedGen C0027672, MeSH D009386, MONDO:0015356.

Submission:

Sema4
Classification: Uncertain significance for Hereditary cancer-predisposing syndrome. Last evaluated: 2022-01-06. Review status: criteria provided, single submitter. Criteria: Sema4 Curation Guidelines. Collection method: curation. Allele origin: germline.
Comment: The ALK c.1993A>C (p.K665Q) variant has not been reported in the literature to our knowledge. It was not observed in the large and broad cohorts of the Genome Aggregation Database (PMID: 32461654). This variant has not been reported in ClinVar. Functional studies have not been performed, and in silico predictions of the variant's effect on protein function are inconclusive. The evidence is insufficient to meet ACMG/AMP criteria for classifying the variant as benign or pathogenic. Thus, the clinical significance of this variant is currently uncertain.